The following is an entry in ClinVar:

NM_005267.5(GJA8):c.1180dup (p.Gln394fs)

Gene: GJA8 (gap junction protein alpha 8; plus strand). Cytogenetic location: 1q21.2.
Variant type: Duplication.
Coding change: c.1180dup on transcript NM_005267.5 (MANE Select); coding-DNA position 1180, one base duplicated (C; older notation c.1180dupC).
Protein change: p.Gln394fs; shifts the reading frame from glutamine 394.
Molecular consequence: frameshift variant.
Genome position (GRCh38, 1-based): chr1:147,909,135, C duplicated. VCF-style (leftmost placement, unchanged base first): chr1-147909134-G-GC. GRCh37 (hg19) VCF-style: chr1-147381261-G-GC.
Other names: short protein forms Q394fs.
Identifiers: ClinVar variation 3347522 (VCV003347522.1).

ClinVar aggregate classification (germline): Likely pathogenic (0 of 4 stars; one submission).

Conditions:
GJA8-related disorder. Also called: GJA8-related condition.

Submission:

PreventionGenetics, part of Exact Sciences
Classification: Likely pathogenic for GJA8-related condition. Last evaluated: 2024-05-14. Review status: no assertion criteria provided. Collection method: clinical testing. Allele origin: germline.
Comment: The GJA8 c.1180dupC variant is predicted to result in a frameshift and premature protein termination (p.Gln394Profs*6). To our knowledge, this variant has not been reported in the literature or in a large population database, indicating this variant is rare. Frameshift variants in GJA8 are expected to be pathogenic. This variant is interpreted as likely pathogenic.